The following is an entry in ClinVar:

NM_001130009.3(GEN1):c.2501_2504del (p.Glu834fs)

Gene: GEN1 (GEN1 structure-specific endonuclease; plus strand). Cytogenetic location: 2p24.2.
Variant type: Microsatellite.
Coding change: c.2501_2504del on transcript NM_001130009.3 (MANE Select); coding-DNA positions 2501 to 2504, 4 bases deleted (AAAG; older notation c.2501_2504delAAAG).
Protein change: p.Glu834fs; shifts the reading frame from glutamic acid 834.
Molecular consequence: frameshift variant.
Genome position (GRCh38, 1-based): chr2:17,781,713-17,781,716, AAAG deleted; deleting any 4 consecutive bases within chr2:17,781,709-17,781,716 gives the same sequence; the c. name uses the placement nearest the transcript's 3' end. VCF-style (leftmost placement, unchanged base first): chr2-17781708-CAAAG-C. GRCh37 (hg19) VCF-style: chr2-17962975-CAAAG-C.
Other names: c.2501_2504del, p.Glu834fs (NM_182625.5); short protein forms E834fs.
Identifiers: ClinVar variation 1371957 (VCV001371957.8), dbSNP rs1292531756, ClinGen allele CA531315173.
Genomic context (GRCh38, chr2:17,781,708, plus strand): 5'-AGCTAAGTACACAACTCAAAGAATGAAGCACAGTTCTCAAAAGCATAATTCATCCCATTT[CAAAG>C]AAAGTGGCCATAACAAGTTGAGTAGCCCTAAGATACATATTAAAGAAACTGAACAGTGTG-3'

ClinVar aggregate classification (germline): Uncertain significance (1 of 4 stars; one submission).

Submission:

Labcorp Genetics (formerly Invitae), Labcorp
Classification: Uncertain significance. Last evaluated: 2024-05-04. Review status: criteria provided, single submitter. Criteria: Invitae Variant Classification Sherloc (09022015). Collection method: clinical testing. Allele origin: germline.
Comment: This sequence change creates a premature translational stop signal (p.Glu834Valfs*6) in the GEN1 gene. While this is not anticipated to result in nonsense mediated decay, it is expected to disrupt the last 75 amino acid(s) of the GEN1 protein. This variant is present in population databases (no rsID available, gnomAD 0.03%). This premature translational stop signal has been observed in individual(s) with breast cancer (PMID: 32029870). This variant is also known as c.2497_2500del (p.K833fs). Experimental studies and prediction algorithms are not available or were not evaluated, and the functional significance of this variant is currently unknown. In summary, the available evidence is currently insufficient to determine the role of this variant in disease. Therefore, it has been classified as a Variant of Uncertain Significance.

Literature cited by the submitters: PubMed 32029870.